The following is an entry in ClinVar:

NM_004525.3(LRP2):c.2692A>G (p.Thr898Ala)

Gene: LRP2 (LDL receptor related protein 2; minus strand). Cytogenetic location: 2q31.1.
Variant type: single nucleotide variant.
Coding change: c.2692A>G on transcript NM_004525.3 (MANE Select); coding-DNA position 2692, A replaced by G.
Protein change: p.Thr898Ala; replaces threonine 898 with alanine.
Molecular consequence: missense variant.
Genome position (GRCh38, 1-based): chr2:169,256,184, T>C on the plus strand (A>G on the coding strand, the complement: LRP2 is on the minus strand). VCF-style: chr2-169256184-T-C. GRCh37 (hg19) VCF-style: chr2-170112694-T-C.
Other names: short protein forms T898A.
Identifiers: ClinVar variation 1442052 (VCV001442052.6), dbSNP rs764314936, ClinGen allele CA1955230.
Genomic context (GRCh38, chr2:169,256,184, plus strand): 5'-CAAACGGATGTGTCATCTGCTCTATATGGCCCAGTCTTCTTCTGTCTAAACCATCAAAGG[T>C]GCTGTGCTCAATTTTATCAAAATAGGCATCTACCCAGTACAATCGTGAAGCACTAAAATA-3'
Protein context (NP_004516.2, residues 888-908): DAYFDKIEHS[Thr898Ala]FDGLDRRRLG

ClinVar aggregate classification (germline): Uncertain significance (1 of 4 stars; one submission).

Allele frequency attached by ClinVar (database versions not stated): gnomAD exomes 0.00001; TOPMed below 0.00001; ExAC 0.00001.
gnomAD v4.1: 7 of 1,613,014 alleles (0.00043%); highest among the groups gnomAD compares: Non-Finnish European, 0.00051%; no homozygotes.

Submission:

Labcorp Genetics (formerly Invitae), Labcorp
Classification: Uncertain significance. Last evaluated: 2022-10-24. Review status: criteria provided, single submitter. Criteria: Invitae Variant Classification Sherloc (09022015). Collection method: clinical testing. Allele origin: germline.
Comment: This sequence change replaces threonine, which is neutral and polar, with alanine, which is neutral and non-polar, at codon 898 of the LRP2 protein (p.Thr898Ala). This variant is present in population databases (rs764314936, gnomAD 0.002%). This variant has not been reported in the literature in individuals affected with LRP2-related conditions. ClinVar contains an entry for this variant (Variation ID: 1442052). Advanced modeling of protein sequence and biophysical properties (such as structural, functional, and spatial information, amino acid conservation, physicochemical variation, residue mobility, and thermodynamic stability) performed at Invitae indicates that this missense variant is not expected to disrupt LRP2 protein function. In summary, the available evidence is currently insufficient to determine the role of this variant in disease. Therefore, it has been classified as a Variant of Uncertain Significance.